The following is an entry in ClinVar:

NM_018062.4(FANCL):c.108C>G (p.Phe36Leu)

Gene: FANCL (FA complementation group L; minus strand). Cytogenetic location: 2p16.1.
Variant type: single nucleotide variant.
Coding change: c.108C>G on transcript NM_018062.4 (MANE Select); coding-DNA position 108, C replaced by G.
Protein change: p.Phe36Leu; replaces phenylalanine 36 with leucine.
Molecular consequence: missense variant.
Genome position (GRCh38, 1-based): chr2:58,232,101, G>C on the plus strand (C>G on the coding strand, the complement: FANCL is on the minus strand). VCF-style: chr2-58232101-G-C. GRCh37 (hg19) VCF-style: chr2-58459236-G-C.
Other names: c.108C>G, p.Phe36Leu (NM_001114636.2, NM_001374615.1, NM_001410792.1); short protein forms F36L.
Identifiers: ClinVar variation 414861 (VCV000414861.47), dbSNP rs149726602, ClinGen allele CA1670794.

ClinVar aggregate classification (germline): Benign/Likely benign. Review status: criteria provided, multiple submitters, no conflicts (2 of 4 stars). 9 submissions from 9 submitters: Benign (2); Likely benign (6). 1 of the submissions does not count toward it. Last evaluated 2026-01-27.

Conditions:
FANCL-related disorder. Also called: FANCL-related condition.
Fanconi anemia (FA). Also called: Fanconi's anemia. Identifiers: Orphanet 84, MedGen C0015625, MeSH D005199, MONDO:0019391.
Fanconi anemia complementation group L (FANCL). Also called: FANCL-Related Fanconi Anemia. Identifiers: Orphanet 84, MedGen C3469528, MONDO:0013566, OMIM 614083.

Allele frequency attached by ClinVar (database versions not stated): gnomAD 0.00013 and 0.00036; ESP Exome Variant Server 0.00015; TOPMed 0.00015; gnomAD exomes 0.00064 and 0.00108; ExAC 0.00134; 1000 Genomes Project 30x 0.00172; 1000 Genomes Project 0.00180.
gnomAD v4.1: 984 of 1,613,084 alleles (0.061%); highest among the groups gnomAD compares: South Asian, 0.79%; 13 homozygotes.

Submissions (9):

Labcorp Genetics (formerly Invitae), Labcorp
Classification: Benign for Fanconi anemia. Last evaluated: 2026-01-27. Review status: criteria provided, single submitter. Criteria: Invitae Variant Classification Sherloc (09022015). Collection method: clinical testing. Allele origin: germline.

KCCC/NGS Laboratory, Kuwait Cancer Control Center
Classification: Benign for Fanconi anemia complementation group L. Last evaluated: 2025-02-01. Review status: criteria provided, single submitter. Criteria: ACMG Guidelines, 2015. Collection method: clinical testing. Allele origin: germline. Affected: no.

Blueprint Genetics
Classification: Likely benign. Last evaluated: 2024-10-23. Review status: criteria provided, single submitter. Criteria: ACMG Guidelines, 2015. Collection method: clinical testing. Allele origin: germline.

CeGaT Center for Human Genetics Tuebingen
Classification: Likely benign. Last evaluated: 2024-05-01. Review status: criteria provided, single submitter. Criteria: CeGaT Center For Human Genetics Tuebingen Variant Classification Criteria Version 2. Collection method: clinical testing. Allele origin: germline. Affected: yes. Observed: 6 variant alleles.
Comment: FANCL: BS2

Sema4
Classification: Likely benign for Fanconi anemia. Last evaluated: 2020-11-03. Review status: criteria provided, single submitter. Criteria: Sema4 Curation Guidelines. Collection method: curation. Allele origin: germline.

Illumina Laboratory Services, Illumina
Classification: Likely benign for Fanconi anemia complementation group L. Last evaluated: 2018-01-13. Review status: criteria provided, single submitter. Criteria: ICSL Variant Classification Criteria 13 December 2019. Collection method: clinical testing. Allele origin: germline.
Comment: This variant was observed in the ICSL laboratory as part of a predisposition screen in an ostensibly healthy population. It had not been previously curated by ICSL or reported in the Human Gene Mutation Database (HGMD: prior to June 1st, 2018), and was therefore a candidate for classification through an automated scoring system. Utilizing variant allele frequency, disease prevalence and penetrance estimates, and inheritance mode, an automated score was calculated to assess if this variant is too frequent to cause the disease. Based on the score and internal cut-off values, a variant classified as likely benign is not then subjected to further curation. The score for this variant resulted in a classification of likely benign for this disease.

Genetic Services Laboratory, University of Chicago
Classification: Likely benign. Last evaluated: 2016-07-28. Review status: criteria provided, single submitter. Criteria: ACMG Guidelines, 2015. Collection method: clinical testing. Allele origin: germline. Affected: no.

Breakthrough Genomics
Classification: Likely benign. Review status: criteria provided, single submitter. Criteria: ACMG Guidelines, 2015. Collection method: not provided. Allele origin: germline. Inheritance: Autosomal recessive inheritance. Affected: yes.

PreventionGenetics, part of Exact Sciences
Classification: Benign for FANCL-related condition. Last evaluated: 2019-07-08. Review status: no assertion criteria provided. Collection method: clinical testing. Allele origin: germline. Not counted in ClinVar's aggregate classification.
Comment: This variant is classified as benign based on ACMG/AMP sequence variant interpretation guidelines (Richards et al. 2015 PMID: 25741868, with internal and published modifications).